The following is an entry in ClinVar:

NM_012210.4(TRIM32):c.284T>C (p.Val95Ala)

Genes: ASTN2 (astrotactin 2; minus strand), TRIM32 (tripartite motif containing 32; plus strand). Cytogenetic location: 9q33.1.
Variant type: single nucleotide variant.
Coding change: c.284T>C on transcript NM_012210.4 (MANE Select); coding-DNA position 284, T replaced by C.
Protein change: p.Val95Ala; replaces valine 95 with alanine.
Molecular consequence: missense variant. On other transcripts: intron variant (3).
Genome position (GRCh38, 1-based): chr9:116,698,026, T>C. VCF-style: chr9-116698026-T-C. GRCh37 (hg19) VCF-style: chr9-119460305-T-C.
Other names: c.284T>C, p.Val95Ala (NM_001099679.2, NM_001379048.1, NM_001379049.1 and 1 more transcripts); c.2653+27745A>G (NM_014010.5); c.2794+27745A>G (NM_001365069.1); c.2806+27745A>G (NM_001365068.1); short protein forms V95A.
Identifiers: ClinVar variation 1047448 (VCV001047448.8), dbSNP rs780885702, ClinGen allele CA5210935.

ClinVar aggregate classification (germline): Uncertain significance. Review status: criteria provided, multiple submitters, no conflicts (2 of 4 stars). 2 submissions from 2 submitters: Uncertain significance (2). Last evaluated 2022-10-17.

Conditions:
Bardet-Biedl syndrome (BBS). Identifiers: Orphanet 110, MedGen C0752166, MONDO:0015229.

Allele frequency attached by ClinVar (database versions not stated): ExAC 0.00001; gnomAD 0.00001; gnomAD exomes 0.00002 and 0.00008; TOPMed 0.00002.
gnomAD v4.1: 110 of 1,613,936 alleles (0.0068%); highest among the groups gnomAD compares: Non-Finnish European, 0.0092%; no homozygotes.

Submissions (2):

Labcorp Genetics (formerly Invitae), Labcorp
Classification: Uncertain significance for Bardet-Biedl syndrome. Last evaluated: 2022-10-17. Review status: criteria provided, single submitter. Criteria: Invitae Variant Classification Sherloc (09022015). Collection method: clinical testing. Allele origin: germline.
Comment: This sequence change replaces valine, which is neutral and non-polar, with alanine, which is neutral and non-polar, at codon 95 of the TRIM32 protein (p.Val95Ala). The frequency data for this variant in the population databases is considered unreliable, as metrics indicate poor data quality at this position in the gnomAD database. This variant has not been reported in the literature in individuals affected with TRIM32-related conditions. ClinVar contains an entry for this variant (Variation ID: 1047448). Algorithms developed to predict the effect of missense changes on protein structure and function (SIFT, PolyPhen-2, Align-GVGD) all suggest that this variant is likely to be tolerated. In summary, the available evidence is currently insufficient to determine the role of this variant in disease. Therefore, it has been classified as a Variant of Uncertain Significance.

Revvity Omics, Revvity
Classification: Uncertain significance. Last evaluated: 2020-10-19. Review status: criteria provided, single submitter. Criteria: ACMG Guidelines, 2015. Collection method: clinical testing. Allele origin: germline.